The following is an entry in ClinVar:

ClinVar aggregate classification (germline): Uncertain significance (1 of 4 stars; one submission).

Submission:

Labcorp Genetics (formerly Invitae), Labcorp
Classification: Uncertain significance. Last evaluated: 2019-12-17. Review status: criteria provided, single submitter. Criteria: Invitae Variant Classification Sherloc (09022015). Collection method: clinical testing. Allele origin: germline.
Comment: In summary, the available evidence is currently insufficient to determine the role of this variant in disease. Therefore, it has been classified as a Variant of Uncertain Significance. This sequence change replaces threonine with proline at codon 183 of the GNAT1 protein (p.Thr183Pro). The threonine residue is highly conserved and there is a small physicochemical difference between threonine and proline. This variant is not present in population databases (ExAC no frequency). This variant has not been reported in the literature in individuals with GNAT1-related conditions. Algorithms developed to predict the effect of missense changes on protein structure and function (SIFT, PolyPhen-2, Align-GVGD) all suggest that this variant is likely to be disruptive, but these predictions have not been confirmed by published functional studies and their clinical significance is uncertain.

NM_144499.3(GNAT1):c.547A>C (p.Thr183Pro)

Gene: GNAT1 (G protein subunit alpha transducin 1; plus strand). Cytogenetic location: 3p21.31.
Variant type: single nucleotide variant.
Coding change: c.547A>C on transcript NM_144499.3 (MANE Select); coding-DNA position 547, A replaced by C.
Protein change: p.Thr183Pro; replaces threonine 183 with proline.
Molecular consequence: missense variant.
Genome position (GRCh38, 1-based): chr3:50,193,850, A>C. VCF-style: chr3-50193850-A-C. GRCh37 (hg19) VCF-style: chr3-50231283-A-C.
Other names: c.547A>C, p.Thr183Pro (NM_000172.4); short protein forms T183P.
Identifiers: ClinVar variation 854023 (VCV000854023.8), dbSNP rs1452893155, ClinGen allele CA352916593.
Genomic context (GRCh38, chr3:50,193,850, plus strand): 5'-TACGTGCCCACCGAGCAGGACGTGCTGCGCTCGCGAGTCAAGACCACTGGCATCATCGAG[A>C]CGCAGTTCTCCTTCAAGGATCTCAACTTCCGGTACGACCCATACGCTAGCCCAGGAGGTC-3'
Protein context (NP_653082.1, residues 173-193): SRVKTTGIIE[Thr183Pro]QFSFKDLNFR